The following is an entry in ClinVar:

ClinVar aggregate classification (germline): Pathogenic. Review status: criteria provided, multiple submitters, no conflicts (2 of 4 stars). 2 submissions from 2 submitters: Pathogenic (2). Last evaluated 2024-09-30.

Conditions:
Hereditary cancer-predisposing syndrome. Also called: Neoplastic Syndromes, Hereditary; Hereditary Cancer Syndrome; Tumor predisposition; Hereditary neoplastic syndrome. Identifiers: Orphanet 140162, MedGen C0027672, MeSH D009386, MONDO:0015356.
Familial cancer of breast. Also called: hereditary breast carcinoma; BREAST CANCER, FAMILIAL; Hereditary breast cancer. Identifiers: Orphanet 227535, MedGen C0346153, MONDO:0016419, OMIM 114480. Disease mechanism: loss of function.

Submissions (2):

Labcorp Genetics (formerly Invitae), Labcorp
Classification: Pathogenic for Familial cancer of breast. Last evaluated: 2024-09-30. Review status: criteria provided, single submitter. Criteria: Invitae Variant Classification Sherloc (09022015). Collection method: clinical testing. Allele origin: germline.
Comment: This sequence change creates a premature translational stop signal (p.Leu1101Glnfs*21) in the PALB2 gene. While this is not anticipated to result in nonsense mediated decay, it is expected to disrupt the last 86 amino acid(s) of the PALB2 protein. This variant is not present in population databases (gnomAD no frequency). This variant has not been reported in the literature in individuals affected with PALB2-related conditions. ClinVar contains an entry for this variant (Variation ID: 575221). This variant disrupts a region of the PALB2 protein in which other variant(s) (p.Leu1143Thrfs*14, p.Tyr1183*) have been determined to be pathogenic (PMID: 17200668, 17200671, 21365267, 25099575, 25452441, 26315354; internal data). This suggests that this is a clinically significant region of the protein, and that variants that disrupt it are likely to be disease-causing. For these reasons, this variant has been classified as Pathogenic.

Color Diagnostics, LLC DBA Color Health
Classification: Pathogenic for Hereditary cancer-predisposing syndrome. Last evaluated: 2020-01-15. Review status: criteria provided, single submitter. Criteria: ACMG Guidelines, 2015. Collection method: clinical testing. Allele origin: germline.
Comment: This variant deletes 2 nucleotides in exon 12 of the PALB2 gene, creating a frameshift and premature translation stop signal. This variant is expected to result in an absent or non-functional protein product. This variant has not been identified in the general population by the Genome Aggregation Database (gnomAD). Loss of PALB2 function is a known mechanism of disease. Based on the available evidence, this variant is classified as Pathogenic.

Literature cited by the submitters: PubMed 17200668 (cited by Labcorp Genetics (formerly Invitae), Labcorp); PubMed 17200671 (cited by Labcorp Genetics (formerly Invitae), Labcorp); PubMed 21365267 (cited by Labcorp Genetics (formerly Invitae), Labcorp); PubMed 25099575 (cited by Labcorp Genetics (formerly Invitae), Labcorp); PubMed 25452441 (cited by Labcorp Genetics (formerly Invitae), Labcorp); PubMed 26315354 (cited by Labcorp Genetics (formerly Invitae), Labcorp).

NM_024675.4(PALB2):c.3302_3303del (p.Leu1101fs)

Gene: PALB2 (partner and localizer of BRCA2; minus strand). Cytogenetic location: 16p12.2.
Variant type: Microsatellite.
Coding change: c.3302_3303del on transcript NM_024675.4 (MANE Select); coding-DNA positions 3302 to 3303, 2 bases deleted (TC; older notation c.3302_3303delTC).
Protein change: p.Leu1101fs; shifts the reading frame from leucine 1101.
Molecular consequence: frameshift variant.
Genome position (GRCh38, 1-based): chr16:23,607,911-23,607,912, GA deleted on the plus strand (TC on the coding strand, the reverse complement: PALB2 is on the minus strand); deleting any 2 consecutive bases within chr16:23,607,911-23,607,915 gives the same sequence; the c. name uses the placement nearest the transcript's 3' end. VCF-style (leftmost placement, unchanged base first): chr16-23607910-TGA-T. GRCh37 (hg19) VCF-style: chr16-23619231-TGA-T.
Other names: c.3302_3303delTC (NM_024675.3); short protein forms L1101fs.
Identifiers: ClinVar variation 575221 (VCV000575221.13), dbSNP rs1567206804, ClinGen allele CA891843571.